The following is an entry in ClinVar:

ClinVar aggregate classification (germline): Likely pathogenic (1 of 4 stars; one submission).

Conditions:
GNPTAB-mucolipidosis. Also called: UDP-N-acetylglucosamine-1-phosphotransferase subunit alpha/beta deficiency. Identifiers: MedGen CN322573, MONDO:0100122.

Submission:

Myriad Genetics, Inc.
Classification: Likely pathogenic for GNPTAB-mucolipidosis. Last evaluated: 2021-12-03. Review status: criteria provided, single submitter. Criteria: Myriad Autosomal Dominant, Autosomal Recessive and X-Linked Classification Criteria (2023). Collection method: clinical testing. Allele origin: unknown.
Comment: NM_024312.4(GNPTAB):c.2009_2010delCC(P670Qfs*9) is expected to be pathogenic in the context of GNPTAB-related disorders. This variant is predicted to lead to an abnormal or absent protein product due to the creation of a premature termination codon in GNPTAB, a gene where loss-of-function variants are known to be pathogenic. Please note: this variant was assessed in the context of healthy population screening.

NM_024312.5(GNPTAB):c.2009_2010del (p.Pro670fs)

Gene: GNPTAB (N-acetylglucosamine-1-phosphate transferase subunits alpha and beta; minus strand). Cytogenetic location: 12q23.2.
Variant type: Deletion.
Coding change: c.2009_2010del on transcript NM_024312.5 (MANE Select); coding-DNA positions 2009 to 2010, 2 bases deleted (CC; older notation c.2009_2010delCC).
Protein change: p.Pro670fs; shifts the reading frame from proline 670.
Molecular consequence: frameshift variant.
Genome position (GRCh38, 1-based): chr12:101,764,907-101,764,908, GG deleted on the plus strand (CC on the coding strand, the reverse complement: GNPTAB is on the minus strand); deleting any 2 consecutive bases within chr12:101,764,907-101,764,909 gives the same sequence; the c. name uses the placement nearest the transcript's 3' end. VCF-style (leftmost placement, unchanged base first): chr12-101764906-TGG-T. GRCh37 (hg19) VCF-style: chr12-102158684-TGG-T.
Other names: short protein forms P670fs.
Identifiers: ClinVar variation 1725502 (VCV001725502.3), dbSNP rs2547957564, ClinGen allele CA2580085679.